The following is an entry in ClinVar:

NM_000140.5(FECH):c.1059_1060del (p.Gln354fs)

Gene: FECH (ferrochelatase; minus strand). Cytogenetic location: 18q21.31.
Variant type: Microsatellite.
Coding change: c.1059_1060del on transcript NM_000140.5 (MANE Select); coding-DNA positions 1059 to 1060, 2 bases deleted (TC; older notation c.1059_1060delTC).
Protein change: p.Gln354fs; shifts the reading frame from glutamine 354.
Molecular consequence: frameshift variant.
Genome position (GRCh38, 1-based): chr18:57,554,277-57,554,278, GA deleted on the plus strand (TC on the coding strand, the reverse complement: FECH is on the minus strand); deleting any 2 consecutive bases within chr18:57,554,277-57,554,281 gives the same sequence; the c. name uses the placement nearest the transcript's 3' end. VCF-style (leftmost placement, unchanged base first): chr18-57554276-TGA-T. GRCh37 (hg19) VCF-style: chr18-55221508-TGA-T.
Other names: c.1077_1078del, p.Gln360fs (NM_001012515.4); c.960_961del, p.Gln321fs (NM_001371094.1); c.843_844del, p.Gln282fs (NM_001371095.1); c.1059_1060del, p.Gln354fs (NM_001374778.1); short protein forms Q321fs, Q282fs, Q360fs, Q354fs.
Identifiers: ClinVar variation 3723154 (VCV003723154.2).

ClinVar aggregate classification (germline): Pathogenic (1 of 4 stars; one submission).

Submission:

Labcorp Genetics (formerly Invitae), Labcorp
Classification: Pathogenic. Last evaluated: 2024-03-08. Review status: criteria provided, single submitter. Criteria: Invitae Variant Classification Sherloc (09022015). Collection method: clinical testing. Allele origin: germline.
Comment: This sequence change creates a premature translational stop signal (p.Gln354Serfs*9) in the FECH gene. It is expected to result in an absent or disrupted protein product. Loss-of-function variants in FECH are known to be pathogenic (PMID: 20105171, 23016163, 23364466). This variant is not present in population databases (gnomAD no frequency). This premature translational stop signal has been observed in individual(s) with erythropoietic protoporphyria (PMID: 20105171). For these reasons, this variant has been classified as Pathogenic.

Literature cited by the submitters: PubMed 20105171; PubMed 23016163; PubMed 23364466.